The following is an entry in ClinVar:

NM_001134363.3(RBM20):c.2988C>G (p.Asp996Glu)

Gene: RBM20 (RNA binding motif protein 20; plus strand). Cytogenetic location: 10q25.2.
Variant type: single nucleotide variant.
Coding change: c.2988C>G on transcript NM_001134363.3 (MANE Select); coding-DNA position 2988, C replaced by G.
Protein change: p.Asp996Glu; replaces aspartic acid 996 with glutamic acid.
Molecular consequence: missense variant.
Genome position (GRCh38, 1-based): chr10:110,821,607, C>G. VCF-style: chr10-110821607-C-G. GRCh37 (hg19) VCF-style: chr10-112581365-C-G.
Other names: short protein forms D996E.
Identifiers: ClinVar variation 4802661 (VCV004802661.1).

ClinVar aggregate classification (germline): Uncertain significance (1 of 4 stars; one submission).

Conditions:
Dilated cardiomyopathy 1DD (CMD1DD). Identifiers: Orphanet 154, MedGen C2750995, MONDO:0013168, OMIM 613172.

Submission:

Labcorp Genetics (formerly Invitae), Labcorp
Classification: Uncertain significance for Dilated cardiomyopathy 1DD. Last evaluated: 2025-08-29. Review status: criteria provided, single submitter. Criteria: Invitae Variant Classification Sherloc (09022015). Collection method: clinical testing. Allele origin: germline.
Comment: This sequence change replaces aspartic acid, which is acidic and polar, with glutamic acid, which is acidic and polar, at codon 996 of the RBM20 protein (p.Asp996Glu). This variant is not present in population databases (gnomAD no frequency). This variant has not been reported in the literature in individuals affected with RBM20-related conditions. Invitae Evidence Modeling of protein sequence and biophysical properties (such as structural, functional, and spatial information, amino acid conservation, physicochemical variation, residue mobility, and thermodynamic stability) indicates that this missense variant is not expected to disrupt RBM20 protein function with a negative predictive value of 95%. In summary, the available evidence is currently insufficient to determine the role of this variant in disease. Therefore, it has been classified as a Variant of Uncertain Significance.